The following is an entry in ClinVar:

ClinVar aggregate classification (germline): Uncertain significance. Review status: criteria provided, multiple submitters, no conflicts (2 of 4 stars). 8 submissions from 8 submitters: Uncertain significance (8). Last evaluated 2026-01-04.

Conditions:
Familial cancer of breast. Also called: BREAST CANCER, FAMILIAL; hereditary breast carcinoma; Hereditary breast cancer. Identifiers: Orphanet 227535, MedGen C0346153, MONDO:0016419, OMIM 114480. Disease mechanism: loss of function.
Blepharocheilodontic syndrome 1 (BCDS1). Identifiers: Orphanet 1997, MedGen C4551988, MONDO:0054740, OMIM 119580.
Endometrial carcinoma. Also called: Endometrial carcinoma, somatic. Identifiers: MedGen C0476089, MONDO:0002447, OMIM 608089, HP:0012114.
Hereditary diffuse gastric adenocarcinoma (HDGC). Also called: DIFFUSE GASTRIC AND LOBULAR BREAST CANCER SYNDROME. Identifiers: Orphanet 26106, MedGen C1708349, MONDO:0007648, OMIM 137215.
Ovarian cancer. Also called: OVARIAN CANCER, SOMATIC. Identifiers: Orphanet 213500, MedGen C1140680, MONDO:0008170, OMIM 167000.
Hereditary cancer-predisposing syndrome. Also called: Tumor predisposition; Hereditary Cancer Syndrome; Hereditary neoplastic syndrome; Neoplastic Syndromes, Hereditary. Identifiers: Orphanet 140162, MedGen C0027672, MeSH D009386, MONDO:0015356.

Allele frequency attached by ClinVar (database versions not stated): gnomAD exomes below 0.00001 and 0.00002; TOPMed 0.00002; ExAC 0.00002; gnomAD 0.00002; 1000 Genomes Project 30x 0.00016; 1000 Genomes Project 0.00020.
gnomAD v4.1: 13 of 1,614,152 alleles (0.00081%); highest among the groups gnomAD compares: Admixed American, 0.0083%; no homozygotes.

Submissions (8):

Labcorp Genetics (formerly Invitae), Labcorp
Classification: Uncertain significance for Hereditary diffuse gastric adenocarcinoma. Last evaluated: 2026-01-04. Review status: criteria provided, single submitter. Criteria: Invitae Variant Classification Sherloc (09022015). Collection method: clinical testing. Allele origin: germline.
Comment: This sequence change replaces serine, which is neutral and polar, with leucine, which is neutral and non-polar, at codon 853 of the CDH1 protein (p.Ser853Leu). This variant is present in population databases (rs569928380, gnomAD 0.009%). This missense change has been observed in individual(s) with diffuse gastric cancer and/or ovarian cancer (PMID: 30306255, 32269045). ClinVar contains an entry for this variant (Variation ID: 185587). An algorithm developed to predict the effect of missense changes on protein structure and function (PolyPhen-2) suggests that this variant is likely to be disruptive. In summary, the available evidence is currently insufficient to determine the role of this variant in disease. Therefore, it has been classified as a Variant of Uncertain Significance.

GeneDx
Classification: Uncertain significance. Last evaluated: 2025-06-25. Review status: criteria provided, single submitter. Criteria: GeneDx Variant Classification Process June 2021. Collection method: clinical testing. Allele origin: germline. Affected: yes.
Comment: Not observed at significant frequency in large population cohorts (gnomAD); In silico analysis supports that this missense variant has a deleterious effect on protein structure/function; Observed in individuals with diffuse gastric, breast, or ovarian cancer (PMID: 30306255, 32269045, 33471991); This variant is associated with the following publications: (PMID: 30306255, 32269045, 15235021, 22850631, 33471991, 36436516)

Quest Diagnostics Nichols Institute San Juan Capistrano
Classification: Uncertain significance. Last evaluated: 2025-02-14. Review status: criteria provided, single submitter. Criteria: Quest Diagnostics criteria. Collection method: clinical testing. Allele origin: unknown.
Comment: The CDH1 c.2558C>T (p.Ser853Leu) variant has been reported in the published literature in individuals affected with various cancers including ovarian cancer (PMID: 30306255 (2018)), gastric cancer (PMID: 32269045 (2020)), and two unspecified cases (PMID: 36436516 (2023)). This variant has also been identified in an affected individual and a reportedly healthy individual in a large-scale breast cancer association study (PMID: 33471991 (2021), see also LOVD). The frequency of this variant in the general population (Genome Aggregation Database) is higher than would generally be expected for pathogenic variants in this gene. Analysis of this variant using bioinformatics tools for the prediction of the effect of amino acid changes on protein structure and function yielded predictions that this variant is benign. Based on the available information, we are unable to determine the clinical significance of this variant.

Color Diagnostics, LLC DBA Color Health
Classification: Uncertain significance for Hereditary cancer-predisposing syndrome. Last evaluated: 2024-11-18. Review status: criteria provided, single submitter. Criteria: ACMG Guidelines, 2015. Collection method: clinical testing. Allele origin: germline.
Comment: This missense variant replaces serine with leucine at codon 853 of the CDH1 protein. To our knowledge, functional studies have not been reported for this variant. This variant has not been reported in individuals affected with hereditary cancer in the literature. This variant has been reported in individuals with ovarian cancer (PMID: 30306255), gastric cancer (PMID: 32269045) and breast cancer (PMID: 33471991), but has also been observed in unaffected individuals (PMID: 33471991). This variant has been identified in 4/251482 chromosomes in the general population by the Genome Aggregation Database (gnomAD). The available evidence is insufficient to determine the role of this variant in disease conclusively. Therefore, this variant is classified as a Variant of Uncertain Significance.

Fulgent Genetics
Classification: Uncertain significance for Familial cancer of breast; Blepharocheilodontic syndrome 1; Hereditary diffuse gastric adenocarcinoma; Ovarian cancer; Endometrial carcinoma. Last evaluated: 2024-06-21. Review status: criteria provided, single submitter. Criteria: ACMG Guidelines, 2015. Collection method: clinical testing. Allele origin: germline.

Ambry Genetics
Classification: Uncertain significance for Hereditary cancer-predisposing syndrome. Last evaluated: 2024-02-20. Review status: criteria provided, single submitter. Criteria: Ambry Variant Classification Scheme 2023. Collection method: clinical testing. Allele origin: germline.
Comment: The p.S853L variant (also known as c.2558C>T), located in coding exon 16 of the CDH1 gene, results from a C to T substitution at nucleotide position 2558. The serine at codon 853 is replaced by leucine, an amino acid with dissimilar properties. This alteration has been reported in a Spanish cohort of patients from clinically suspicious hereditary breast and/or ovarian cancer families without BRCA1/2 mutations (Bonache S et al. J Cancer Res Clin Oncol, 2018 Dec;144:2495-2513). This amino acid position is not well conserved in available vertebrate species. In addition, the in silico prediction for this alteration is inconclusive. Since supporting evidence is limited at this time, the clinical significance of this alteration remains unclear.

Baylor Genetics
Classification: Uncertain significance for Familial cancer of breast. Last evaluated: 2024-02-15. Review status: criteria provided, single submitter. Criteria: ACMG Guidelines, 2015. Collection method: clinical testing. Allele origin: unknown.

European Reference Network on Genetic Tumour Risk Syndromes (ERN-GENTURIS), i3s - Instituto de Investigação e Inovação em Saúde, University of Porto
Classification: Uncertain significance for Hereditary diffuse gastric adenocarcinoma. Last evaluated: 2022-08-01. Review status: criteria provided, single submitter. Criteria: Lee et al. (Hum Mutat. 2018). Collection method: clinical testing. Allele origin: germline. Inheritance: Autosomal dominant inheritance. Affected: no. Study: ERN GENTURIS.
Comment: Not applicable criteria (PMID: 30311375)

Literature cited by the submitters: PubMed 30306255 (cited by 3 submitters); PubMed 32269045 (cited by 4 submitters); PubMed 38153744 (cited by Quest Diagnostics Nichols Institute San Juan Capistrano); PubMed 36436516 (cited by Quest Diagnostics Nichols Institute San Juan Capistrano and European Reference Network on Genetic Tumour Risk Syndromes (ERN-GENTURIS), i3s - Instituto de Investigação e Inovação em Saúde, University of Porto); PubMed 33471991 (cited by Quest Diagnostics Nichols Institute San Juan Capistrano and Color Diagnostics, LLC DBA Color Health).

NM_004360.5(CDH1):c.2558C>T (p.Ser853Leu)

Gene: CDH1 (cadherin 1; plus strand). Cytogenetic location: 16q22.1.
Variant type: single nucleotide variant.
Coding change: c.2558C>T on transcript NM_004360.5 (MANE Select); coding-DNA position 2558, C replaced by T.
Protein change: p.Ser853Leu; replaces serine 853 with leucine.
Molecular consequence: missense variant.
Genome position (GRCh38, 1-based): chr16:68,833,408, C>T. VCF-style: chr16-68833408-C-T. GRCh37 (hg19) VCF-style: chr16-68867311-C-T.
Other names: c.2558C>T (LRG_301t1); c.2375C>T, p.Ser792Leu (NM_001317184.2); c.1010C>T, p.Ser337Leu (NM_001317185.2); c.593C>T, p.Ser198Leu (NM_001317186.2); short protein forms S853L, S198L, S337L, S792L.
Identifiers: ClinVar variation 185587 (VCV000185587.31), dbSNP rs569928380, ClinGen allele CA192344.